The following is an entry in ClinVar:

ClinVar aggregate classification (germline): Uncertain significance. Review status: criteria provided, multiple submitters, no conflicts (2 of 4 stars). 3 submissions from 3 submitters: Uncertain significance (3). Last evaluated 2024-11-27.

Conditions:
Hereditary cancer-predisposing syndrome. Also called: Hereditary neoplastic syndrome; Tumor predisposition; Neoplastic Syndromes, Hereditary; Hereditary Cancer Syndrome. Identifiers: Orphanet 140162, MedGen C0027672, MeSH D009386, MONDO:0015356.
Nijmegen breakage syndrome-like disorder (NBSLD). Also called: MICROCEPHALY AND SPONTANEOUS CHROMOSOME INSTABILITY WITHOUT IMMUNODEFICIENCY; NBS-LIKE DISORDER; RAD50 DEFICIENCY. Identifiers: Orphanet 240760, MedGen C2751318, MONDO:0013118, OMIM 613078.

Allele frequency attached by ClinVar (database versions not stated): gnomAD exomes below 0.00001 and 0.00001; ExAC 0.00001; gnomAD 0.00001; TOPMed 0.00001.
gnomAD v4.1: 5 of 1,609,712 alleles (0.00031%); highest among the groups gnomAD compares: Admixed American, 0.005%; no homozygotes.

Submissions (3):

Ambry Genetics
Classification: Uncertain significance for Hereditary cancer-predisposing syndrome. Last evaluated: 2024-11-27. Review status: criteria provided, single submitter. Criteria: Ambry Variant Classification Scheme 2023. Collection method: clinical testing. Allele origin: germline.

Baylor Genetics
Classification: Uncertain significance for Nijmegen breakage syndrome-like disorder. Last evaluated: 2023-12-23. Review status: criteria provided, single submitter. Criteria: ACMG Guidelines, 2015. Collection method: clinical testing. Allele origin: unknown.

Labcorp Genetics (formerly Invitae), Labcorp
Classification: Uncertain significance for Hereditary cancer-predisposing syndrome. Last evaluated: 2023-10-10. Review status: criteria provided, single submitter. Criteria: Invitae Variant Classification Sherloc (09022015). Collection method: clinical testing. Allele origin: germline.
Comment: This sequence change replaces glutamine, which is neutral and polar, with arginine, which is basic and polar, at codon 350 of the RAD50 protein (p.Gln350Arg). This variant is present in population databases (rs751434866, gnomAD 0.006%). This variant has not been reported in the literature in individuals affected with RAD50-related conditions. ClinVar contains an entry for this variant (Variation ID: 571246). An algorithm developed to predict the effect of missense changes on protein structure and function (PolyPhen-2) suggests that this variant is likely to be tolerated. In summary, the available evidence is currently insufficient to determine the role of this variant in disease. Therefore, it has been classified as a Variant of Uncertain Significance.

NM_005732.4(RAD50):c.1049A>G (p.Gln350Arg)

Gene: RAD50 (RAD50 double strand break repair protein; plus strand). Cytogenetic location: 5q31.1.
Variant type: single nucleotide variant.
Coding change: c.1049A>G on transcript NM_005732.4 (MANE Select); coding-DNA position 1049, A replaced by G.
Protein change: p.Gln350Arg; replaces glutamine 350 with arginine.
Molecular consequence: missense variant.
Genome position (GRCh38, 1-based): chr5:132,588,087, A>G. VCF-style: chr5-132588087-A-G. GRCh37 (hg19) VCF-style: chr5-131923779-A-G.
Other names: short protein forms Q350R.
Identifiers: ClinVar variation 571246 (VCV000571246.14), dbSNP rs751434866, ClinGen allele CA3405079.